The following is an entry in ClinVar:

NM_006736.6(DNAJB2):c.805G>A (p.Ala269Thr)

Gene: DNAJB2 (DnaJ heat shock protein family (Hsp40) member B2; plus strand). Cytogenetic location: 2q35.
Variant type: single nucleotide variant.
Coding change: c.805G>A on transcript NM_006736.6 (MANE Select); coding-DNA position 805, G replaced by A.
Protein change: p.Ala269Thr; replaces alanine 269 with threonine.
Molecular consequence: missense variant.
Genome position (GRCh38, 1-based): chr2:219,284,817, G>A. VCF-style: chr2-219284817-G-A. GRCh37 (hg19) VCF-style: chr2-220149539-G-A.
Other names: c.805G>A, p.Ala269Thr (NM_001039550.2); short protein forms A269T.
Identifiers: ClinVar variation 1359605 (VCV001359605.5), dbSNP rs762419182, ClinGen allele CA2123105.

ClinVar aggregate classification (germline): Uncertain significance (1 of 4 stars; one submission).

Conditions:
Neuronopathy, distal hereditary motor, autosomal recessive 5. Also called: Spinal muscular atrophy, distal, autosomal recessive, 5; NEUROPATHY, DISTAL HEREDITARY MOTOR, AUTOSOMAL RECESSIVE 5; Young adult-onset distal hereditary motor neuropathy. Identifiers: Orphanet 314485, Orphanet 443950, MedGen C4749918, MONDO:0013947, OMIM 614881.

Allele frequency attached by ClinVar (database versions not stated): gnomAD exomes below 0.00001 and 0.00001; ExAC 0.00001.
gnomAD v4.1: 7 of 1,612,600 alleles (0.00043%); highest among the groups gnomAD compares: Non-Finnish European, 0.00059%; no homozygotes.

Submission:

Labcorp Genetics (formerly Invitae), Labcorp
Classification: Uncertain significance for Neuronopathy, distal hereditary motor, autosomal recessive 5. Last evaluated: 2022-05-26. Review status: criteria provided, single submitter. Criteria: Invitae Variant Classification Sherloc (09022015). Collection method: clinical testing. Allele origin: germline.
Comment: This sequence change replaces alanine, which is neutral and non-polar, with threonine, which is neutral and polar, at codon 269 of the DNAJB2 protein (p.Ala269Thr). The frequency data for this variant in the population databases is considered unreliable, as metrics indicate poor data quality at this position in the gnomAD database. This variant has not been reported in the literature in individuals affected with DNAJB2-related conditions. Algorithms developed to predict the effect of missense changes on protein structure and function (SIFT, PolyPhen-2, Align-GVGD) all suggest that this variant is likely to be tolerated. In summary, the available evidence is currently insufficient to determine the role of this variant in disease. Therefore, it has been classified as a Variant of Uncertain Significance.